The following is an entry in ClinVar:

ClinVar aggregate classification (germline): Likely benign (1 of 4 stars; one submission).

Allele frequency attached by ClinVar (database versions not stated): gnomAD exomes 0.00054; gnomAD 0.00443 and 0.00483; 1000 Genomes Project 0.00539; 1000 Genomes Project 30x 0.00547; TOPMed 0.00548.
gnomAD v4.1: 964 of 676,906 alleles (0.14%); highest among the groups gnomAD compares: African/African-American, 1.6%; 7 homozygotes.

Submission:

GeneDx
Classification: Likely benign. Last evaluated: 2018-06-19. Review status: criteria provided, single submitter. Criteria: GeneDx Variant Classification (06012015). Collection method: clinical testing. Allele origin: germline. Affected: yes.
Comment: This variant is considered likely benign or benign based on one or more of the following criteria: it is a conservative change, it occurs at a poorly conserved position in the protein, it is predicted to be benign by multiple in silico algorithms, and/or has population frequency not consistent with disease.

NM_006493.4(CLN5):c.566-147G>A

Gene: CLN5 (CLN5 intracellular trafficking protein; plus strand). Cytogenetic location: 13q22.3.
Variant type: single nucleotide variant.
Coding change: c.566-147G>A on transcript NM_006493.4 (MANE Select); 147 bases into the intron before coding-DNA position 566, G replaced by A.
Molecular consequence: intron variant.
Genome position (GRCh38, 1-based): chr13:77,000,311, G>A. VCF-style: chr13-77000311-G-A. GRCh37 (hg19) VCF-style: chr13-77574446-G-A.
Other names: c.15-147G>A (NM_001366624.2).
Identifiers: ClinVar variation 677614 (VCV000677614.1), dbSNP rs141010472, ClinGen allele CA252177503.